The following is an entry in ClinVar:

ClinVar aggregate classification (germline): Benign. Review status: criteria provided, multiple submitters, no conflicts (2 of 4 stars). 6 submissions from 6 submitters: Benign (5). 1 of the submissions does not count toward it. Last evaluated 2026-02-01.

Conditions:
Roberts-SC phocomelia syndrome (RBS). Also called: ESCO2 Spectrum Disorder; Pseudothalidomide syndrome; Appelt-Gerken-Lenz syndrome; LONG BONE DEFICIENCIES ASSOCIATED WITH CLEFT LIP-PALATE; Hypomelia hypotrichosis facial hemangioma syndrome. Identifiers: Orphanet 3103, MedGen C0392475, MONDO:0100253, OMIM 268300.

Allele frequency attached by ClinVar (database versions not stated): gnomAD 0.00963 and 0.01021; TOPMed 0.01047; ESP Exome Variant Server 0.01069; 1000 Genomes Project 30x 0.01249; 1000 Genomes Project 0.01258.
gnomAD v4.1: 2,872 of 1,614,102 alleles (0.18%); highest among the groups gnomAD compares: African/African-American, 3.2%; 42 homozygotes.

Submissions (6):

Labcorp Genetics (formerly Invitae), Labcorp
Classification: Benign. Last evaluated: 2026-02-01. Review status: criteria provided, single submitter. Criteria: Invitae Variant Classification Sherloc (09022015). Collection method: clinical testing. Allele origin: germline.

GeneDx
Classification: Benign. Last evaluated: 2021-06-11. Review status: criteria provided, single submitter. Criteria: GeneDx Variant Classification Process June 2021. Collection method: clinical testing. Allele origin: germline. Affected: yes.

Illumina Laboratory Services, Illumina
Classification: Benign for Roberts-SC phocomelia syndrome. Last evaluated: 2018-01-13. Review status: criteria provided, single submitter. Criteria: ICSL Variant Classification Criteria 13 December 2019. Collection method: clinical testing. Allele origin: germline.
Comment: This variant was observed in the ICSL laboratory as part of a predisposition screen in an ostensibly healthy population. It had not been previously curated by ICSL or reported in the Human Gene Mutation Database (HGMD: prior to June 1st, 2018), and was therefore a candidate for classification through an automated scoring system. Utilizing variant allele frequency, disease prevalence and penetrance estimates, and inheritance mode, an automated score was calculated to assess if this variant is too frequent to cause the disease. Based on the score and internal cut-off values, a variant classified as benign is not then subjected to further curation. The score for this variant resulted in a classification of benign for this disease.

Breakthrough Genomics
Classification: Benign. Review status: criteria provided, single submitter. Criteria: ACMG Guidelines, 2015. Collection method: not provided. Allele origin: germline. Inheritance: Autosomal recessive inheritance. Affected: yes.

PreventionGenetics, part of Exact Sciences
Classification: Benign. Review status: criteria provided, single submitter. Criteria: ACMG Guidelines, 2015. Collection method: clinical testing. Allele origin: germline.

Natera, Inc.
Classification: Benign for Roberts syndrome. Last evaluated: 2020-09-16. Review status: no assertion criteria provided. Collection method: clinical testing. Allele origin: germline. Not counted in ClinVar's aggregate classification.

NM_001017420.3(ESCO2):c.510G>A (p.Val170=)

Gene: ESCO2 (establishment of sister chromatid cohesion N-acetyltransferase 2; plus strand). Cytogenetic location: 8p21.1.
Variant type: single nucleotide variant.
Coding change: c.510G>A on transcript NM_001017420.3 (MANE Select); coding-DNA position 510, G replaced by A.
Protein change: p.Val170=; no amino-acid change (valine 170 retained).
Molecular consequence: synonymous variant.
Genome position (GRCh38, 1-based): chr8:27,776,818, G>A. VCF-style: chr8-27776818-G-A. GRCh37 (hg19) VCF-style: chr8-27634335-G-A.
Identifiers: ClinVar variation 257054 (VCV000257054.19), dbSNP rs112031297, ClinGen allele CA4692065.